The following is an entry in ClinVar:

NM_004006.3(DMD):c.3782T>C (p.Leu1261Ser)

Gene: DMD (dystrophin; minus strand). Cytogenetic location: Xp21.1.
Variant type: single nucleotide variant.
Coding change: c.3782T>C on transcript NM_004006.3 (MANE Select); coding-DNA position 3782, T replaced by C.
Protein change: p.Leu1261Ser; replaces leucine 1261 with serine.
Molecular consequence: missense variant.
Genome position (GRCh38, 1-based): chrX:32,448,460, A>G on the plus strand (T>C on the coding strand, the complement: DMD is on the minus strand). VCF-style: chrX-32448460-A-G. GRCh37 (hg19) VCF-style: chrX-32466577-A-G.
Other names: c.3758T>C, p.Leu1253Ser (NM_000109.4); c.3770T>C, p.Leu1257Ser (NM_004009.3); c.3413T>C, p.Leu1138Ser (NM_004010.3); short protein forms L1257S, L1138S, L1253S, L1261S.
Identifiers: ClinVar variation 1899718 (VCV001899718.5), dbSNP rs2098314589, ClinGen allele CA412661569.
Genomic context (GRCh38, chrX:32,448,460, plus strand): 5'-TCACATATGACCATGTATTGACATATCATTGACAAAGACCAAGAAAAGCAACTGACTTCC[A>G]AAGTCTTGCATTTCCCATTCAGCCTAGTGCAGAGCCACTGGTAGTTGGTGGTTAGAGTTT-3'
Protein context (NP_003997.2, residues 1251-1271): CTRLNGKCKT[Leu1261Ser]EEVWACWHEL

ClinVar aggregate classification (germline): Uncertain significance (1 of 4 stars; one submission).

Conditions:
Duchenne muscular dystrophy (DMD). Also called: MUSCULAR DYSTROPHY, PSEUDOHYPERTROPHIC PROGRESSIVE, DUCHENNE TYPE; Duchenne Muscular Dystrophy (DMD). Identifiers: Orphanet 98896, MedGen C0013264, MONDO:0010679, OMIM 310200.

Submission:

Labcorp Genetics (formerly Invitae), Labcorp
Classification: Uncertain significance for Duchenne muscular dystrophy. Last evaluated: 2024-11-27. Review status: criteria provided, single submitter. Criteria: Invitae Variant Classification Sherloc (09022015). Collection method: clinical testing. Allele origin: germline.
Comment: This sequence change replaces leucine, which is neutral and non-polar, with serine, which is neutral and polar, at codon 1261 of the DMD protein (p.Leu1261Ser). This variant is not present in population databases (gnomAD no frequency). This variant has not been reported in the literature in individuals affected with DMD-related conditions. ClinVar contains an entry for this variant (Variation ID: 1899718). Invitae Evidence Modeling of protein sequence and biophysical properties (such as structural, functional, and spatial information, amino acid conservation, physicochemical variation, residue mobility, and thermodynamic stability) indicates that this missense variant is not expected to disrupt DMD protein function with a negative predictive value of 95%. In summary, the available evidence is currently insufficient to determine the role of this variant in disease. Therefore, it has been classified as a Variant of Uncertain Significance.